The following is an entry in ClinVar:

ClinVar aggregate classification (germline): Uncertain significance. Review status: criteria provided, multiple submitters, no conflicts (2 of 4 stars). 2 submissions from 2 submitters: Uncertain significance (2). Last evaluated 2025-10-14.

gnomAD v4.1: 36 of 1,609,702 alleles (0.0022%); highest among the groups gnomAD compares: East Asian, 0.018%; no homozygotes.

Submissions (2):

Labcorp Genetics (formerly Invitae), Labcorp
Classification: Uncertain significance. Last evaluated: 2025-10-14. Review status: criteria provided, single submitter. Criteria: Invitae Variant Classification Sherloc (09022015). Collection method: clinical testing. Allele origin: germline.
Comment: This sequence change replaces glycine, which is neutral and non-polar, with arginine, which is basic and polar, at codon 1763 of the NYNRIN protein (p.Gly1763Arg). This variant is present in population databases (rs768427936, gnomAD 0.02%). This variant has not been reported in the literature in individuals affected with NYNRIN-related conditions. Experimental studies and prediction algorithms are not available or were not evaluated, and the functional significance of this variant is currently unknown. In summary, the available evidence is currently insufficient to determine the role of this variant in disease. Therefore, it has been classified as a Variant of Uncertain Significance.

Ambry Genetics
Classification: Uncertain significance. Last evaluated: 2025-09-01. Review status: criteria provided, single submitter. Criteria: Ambry Variant Classification Scheme 2023. Collection method: clinical testing. Allele origin: germline.

NM_025081.3(NYNRIN):c.5287G>A (p.Gly1763Arg)

Gene: NYNRIN (NYN domain and retroviral integrase containing; plus strand). Cytogenetic location: 14q12.
Variant type: single nucleotide variant.
Coding change: c.5287G>A on transcript NM_025081.3 (MANE Select); coding-DNA position 5287, G replaced by A.
Protein change: p.Gly1763Arg; replaces glycine 1763 with arginine.
Molecular consequence: missense variant.
Genome position (GRCh38, 1-based): chr14:24,417,036, G>A. VCF-style: chr14-24417036-G-A. GRCh37 (hg19) VCF-style: chr14-24886242-G-A.
Other names: short protein forms G1763R.
Identifiers: ClinVar variation 4124655 (VCV004124655.2).